The following is an entry in ClinVar:

NM_020632.3(ATP6V0A4):c.2080C>T (p.Arg694Cys)

Gene: ATP6V0A4 (ATPase H+ transporting V0 subunit a4; minus strand). Cytogenetic location: 7q34.
Variant type: single nucleotide variant.
Coding change: c.2080C>T on transcript NM_020632.3 (MANE Select); coding-DNA position 2080, C replaced by T.
Protein change: p.Arg694Cys; replaces arginine 694 with cysteine.
Molecular consequence: missense variant.
Genome position (GRCh38, 1-based): chr7:138,721,956, G>A on the plus strand (C>T on the coding strand, the complement: ATP6V0A4 is on the minus strand). VCF-style: chr7-138721956-G-A. GRCh37 (hg19) VCF-style: chr7-138406701-G-A.
Other names: c.2080C>T, p.Arg694Cys (NM_130840.3, NM_130841.3); short protein forms R694C.
Identifiers: ClinVar variation 1703471 (VCV001703471.6), dbSNP rs199650259, ClinGen allele CA4504547.

ClinVar aggregate classification (germline): Uncertain significance. Review status: criteria provided, multiple submitters, no conflicts (2 of 4 stars). 4 submissions from 4 submitters: Uncertain significance (4). Last evaluated 2024-11-13.

Conditions:
Renal tubular acidosis, distal, 3, with or without sensorineural hearing loss (DRTA3). Identifiers: MedGen C5399980, MONDO:0011268, OMIM 602722.

Allele frequency attached by ClinVar (database versions not stated): ExAC 0.00005; gnomAD exomes 0.00005; TOPMed 0.00005; gnomAD 0.00006; 1000 Genomes Project 30x 0.00016; 1000 Genomes Project 0.00020.
gnomAD v4.1: 82 of 1,614,140 alleles (0.0051%); highest among the groups gnomAD compares: Middle Eastern, 0.066%; no homozygotes.

Submissions (4):

Blueprint Genetics
Classification: Uncertain significance. Last evaluated: 2024-11-13. Review status: criteria provided, single submitter. Criteria: ACMG Guidelines, 2015. Collection method: clinical testing. Allele origin: germline.

Fulgent Genetics
Classification: Uncertain significance for Renal tubular acidosis, distal, 3, with or without sensorineural hearing loss. Last evaluated: 2024-04-05. Review status: criteria provided, single submitter. Criteria: ACMG Guidelines, 2015. Collection method: clinical testing. Allele origin: germline.

Labcorp Genetics (formerly Invitae), Labcorp
Classification: Uncertain significance. Last evaluated: 2023-06-30. Review status: criteria provided, single submitter. Criteria: Invitae Variant Classification Sherloc (09022015). Collection method: clinical testing. Allele origin: germline.
Comment: ClinVar contains an entry for this variant (Variation ID: 1703471). This variant has not been reported in the literature in individuals affected with ATP6V0A4-related conditions. This variant is present in population databases (rs199650259, gnomAD 0.008%). This sequence change replaces arginine, which is basic and polar, with cysteine, which is neutral and slightly polar, at codon 694 of the ATP6V0A4 protein (p.Arg694Cys). An algorithm developed to predict the effect of missense changes on protein structure and function (PolyPhen-2) suggests that this variant is likely to be disruptive. In summary, the available evidence is currently insufficient to determine the role of this variant in disease. Therefore, it has been classified as a Variant of Uncertain Significance.

GeneDx
Classification: Uncertain significance. Last evaluated: 2022-02-24. Review status: criteria provided, single submitter. Criteria: GeneDx Variant Classification Process June 2021. Collection method: clinical testing. Allele origin: germline. Affected: yes.
Comment: Not observed at significant frequency in large population cohorts (gnomAD); In silico analysis supports that this missense variant does not alter protein structure/function; Has not been previously published as pathogenic or benign to our knowledge